The following is an entry in ClinVar:

ClinVar aggregate classification (germline): Uncertain significance (1 of 4 stars; one submission).

gnomAD v4.1: 1 of 1,606,380 alleles (0.000062%); highest among the groups gnomAD compares: Non-Finnish European, 0.000085%; no homozygotes.

Submission:

Labcorp Genetics (formerly Invitae), Labcorp
Classification: Uncertain significance. Last evaluated: 2023-12-02. Review status: criteria provided, single submitter. Criteria: Invitae Variant Classification Sherloc (09022015). Collection method: clinical testing. Allele origin: germline.
Comment: This sequence change replaces tryptophan, which is neutral and slightly polar, with serine, which is neutral and polar, at codon 1049 of the TAOK2 protein (p.Trp1049Ser). This variant is not present in population databases (gnomAD no frequency). This variant has not been reported in the literature in individuals affected with TAOK2-related conditions. An algorithm developed to predict the effect of missense changes on protein structure and function (PolyPhen-2) suggests that this variant is likely to be disruptive. In summary, the available evidence is currently insufficient to determine the role of this variant in disease. Therefore, it has been classified as a Variant of Uncertain Significance.

NM_016151.4(TAOK2):c.3146G>C (p.Trp1049Ser)

Gene: TAOK2 (TAO kinase 2; plus strand). Cytogenetic location: 16p11.2.
Variant type: single nucleotide variant.
Coding change: c.3146G>C on transcript NM_016151.4 (MANE Select); coding-DNA position 3146, G replaced by C.
Protein change: p.Trp1049Ser; replaces tryptophan 1049 with serine.
Molecular consequence: missense variant. On other transcripts: intron variant (1).
Genome position (GRCh38, 1-based): chr16:29,987,418, G>C. VCF-style: chr16-29987418-G-C. GRCh37 (hg19) VCF-style: chr16-29998739-G-C.
Other names: c.2807G>C, p.Trp936Ser (NM_001252043.2); c.2232+914G>C (NM_004783.4); short protein forms W1049S, W936S.
Identifiers: ClinVar variation 2700389 (VCV002700389.3), dbSNP rs781117726, ClinGen allele CA395498617.